The following is an entry in ClinVar:

ClinVar aggregate classification (germline): Uncertain significance (1 of 4 stars; one submission).

Submission:

Labcorp Genetics (formerly Invitae), Labcorp
Classification: Uncertain significance. Last evaluated: 2026-01-09. Review status: criteria provided, single submitter. Criteria: Invitae Variant Classification Sherloc (09022015). Collection method: clinical testing. Allele origin: germline.
Comment: This sequence change replaces threonine, which is neutral and polar, with isoleucine, which is neutral and non-polar, at codon 205 of the GATA5 protein (p.Thr205Ile). This variant is not present in population databases (gnomAD no frequency). This variant has not been reported in the literature in individuals affected with GATA5-related conditions. Invitae Evidence Modeling of protein sequence and biophysical properties (such as structural, functional, and spatial information, amino acid conservation, physicochemical variation, residue mobility, and thermodynamic stability) indicates that this missense variant is expected to disrupt GATA5 protein function with a positive predictive value of 80%. In summary, the available evidence is currently insufficient to determine the role of this variant in disease. Therefore, it has been classified as a Variant of Uncertain Significance.

NM_080473.5(GATA5):c.614C>T (p.Thr205Ile)

Gene: GATA5 (GATA binding protein 5; minus strand). Cytogenetic location: 20q13.33.
Variant type: single nucleotide variant.
Coding change: c.614C>T on transcript NM_080473.5 (MANE Select); coding-DNA position 614, C replaced by T.
Protein change: p.Thr205Ile; replaces threonine 205 with isoleucine.
Molecular consequence: missense variant.
Genome position (GRCh38, 1-based): chr20:62,473,488, G>A on the plus strand (C>T on the coding strand, the complement: GATA5 is on the minus strand). VCF-style: chr20-62473488-G-A. GRCh37 (hg19) VCF-style: chr20-61048544-G-A.
Other names: short protein forms T205I.
Identifiers: ClinVar variation 4766225 (VCV004766225.1).